The following is an entry in ClinVar:

ClinVar aggregate classification (germline): Uncertain significance. Review status: criteria provided, multiple submitters, no conflicts (2 of 4 stars). 4 submissions from 4 submitters: Uncertain significance (4). Last evaluated 2025-12-02.

Allele frequency attached by ClinVar (database versions not stated): 1000 Genomes Project 30x 0.00016; 1000 Genomes Project 0.00020; TOPMed 0.00029; ESP Exome Variant Server 0.00038.
gnomAD v4.1: 826 of 1,614,012 alleles (0.051%); highest among the groups gnomAD compares: African/African-American, 0.097%; 6 homozygotes.

Submissions (4):

Labcorp Genetics (formerly Invitae), Labcorp
Classification: Uncertain significance. Last evaluated: 2025-12-02. Review status: criteria provided, single submitter. Criteria: Invitae Variant Classification Sherloc (09022015). Collection method: clinical testing. Allele origin: germline.
Comment: This sequence change replaces isoleucine, which is neutral and non-polar, with methionine, which is neutral and non-polar, at codon 205 of the GH1 protein (p.Ile205Met). This variant is present in population databases (rs148474991, gnomAD 0.07%). This missense change has been observed in individual(s) with clinical features of GH1-related conditions (PMID: 15001589, 25557026, 37948564). It has also been observed to segregate with disease in related individuals. This variant is also known as p.Ile179Met. ClinVar contains an entry for this variant (Variation ID: 500833). An algorithm developed to predict the effect of missense changes on protein structure and function (PolyPhen-2) suggests that this variant is likely to be tolerated. Experimental studies have shown that this missense change affects GH1 function (PMID: 15001589). In summary, the available evidence is currently insufficient to determine the role of this variant in disease. Therefore, it has been classified as a Variant of Uncertain Significance.

Women's Health and Genetics/Laboratory Corporation of America, LabCorp
Classification: Uncertain significance. Last evaluated: 2025-10-03. Review status: criteria provided, single submitter. Criteria: LabCorp Variant Classification Summary - May 2015. Collection method: clinical testing. Allele origin: germline.
Comment: Variant summary: GH1 c.615C>G (p.Ile205Met) results in a conservative amino acid change in the encoded protein sequence. Algorithms developed to predict the effect of missense changes on protein structure and function all suggest that this variant is likely to be tolerated. The variant allele was found at a frequency of 0.00042 in 251244 control chromosomes in the gnomAD database, including 2 homozygotes. This frequency is not significantly higher than estimated for disease-causing variants in GH1, allowing no conclusion about variant significance. c.615C>G has been reported in the literature in individuals affected with GH1-related disorders (Lewis_2004, Fritez_2015, Kirkgoz_2023), however, in one of the reported families the variant did not cosegregate with the phenotype (Lewis_2004). These data do not allow clear conclusions about variant significance. One of these publications also reported experimental evidence evaluating an impact on protein function, demonstrating normal secretion, and receptor binding with normal JAK/STAT pathway activation for the variant protein, however, the activation of ERK pathway was reduced to about half (Lewis_2004). The impaired ability to activate ERK does not allow convincing conclusions about the variant effect. The following publications have been ascertained in the context of this evaluation (PMID: 2014261, 25557026, 10462528, 34426522, 37948564, 15001589, 28498917, 18488018, 34091447). ClinVar contains an entry for this variant (Variation ID: 500833). Based on the evidence outlined above, the variant was classified as uncertain significance.

GeneDx
Classification: Uncertain significance. Last evaluated: 2019-11-29. Review status: criteria provided, single submitter. Criteria: GeneDx Variant Classification Process June 2021. Collection method: clinical testing. Allele origin: germline. Affected: yes.
Comment: Published functional studies demonstrate a decreased ability to activate ERK, but show normal JAK/STAT pathway activation, normal secretion, and normal binding characteristics (Lewis et al., 2004); In silico analysis, which includes protein predictors and evolutionary conservation, supports that this variant does not alter protein structure/function; This variant is associated with the following publications: (PMID: 25557026, 28498917, 15001589)

Eurofins Ntd Llc (ga)
Classification: Uncertain significance. Last evaluated: 2018-04-30. Review status: criteria provided, single submitter. Criteria: EGL ClinVar v180209 classification definitions. Collection method: clinical testing. Allele origin: germline. Observed: 2 variant alleles, 2 heterozygotes.

Literature cited by the submitters: PubMed 15001589 (cited by 3 submitters); PubMed 25557026 (cited by 3 submitters); PubMed 37948564 (cited by Labcorp Genetics (formerly Invitae), Labcorp and Women's Health and Genetics/Laboratory Corporation of America, LabCorp); PubMed 34426522 (cited by Women's Health and Genetics/Laboratory Corporation of America, LabCorp); PubMed 2014261 (cited by Women's Health and Genetics/Laboratory Corporation of America, LabCorp); PubMed 10462528 (cited by Women's Health and Genetics/Laboratory Corporation of America, LabCorp); PubMed 28498917 (cited by Women's Health and Genetics/Laboratory Corporation of America, LabCorp); PubMed 18488018 (cited by Women's Health and Genetics/Laboratory Corporation of America, LabCorp); PubMed 34091447 (cited by Women's Health and Genetics/Laboratory Corporation of America, LabCorp).

NM_000515.5(GH1):c.615C>G (p.Ile205Met)

Genes: GH-LCR (growth hormone locus control region; plus strand), GH1 (growth hormone 1; minus strand). Cytogenetic location: 17q23.3.
Variant type: single nucleotide variant.
Coding change: c.615C>G on transcript NM_000515.5 (MANE Select); coding-DNA position 615, C replaced by G.
Protein change: p.Ile205Met; replaces isoleucine 205 with methionine.
Molecular consequence: missense variant.
Genome position (GRCh38, 1-based): chr17:63,917,348, G>C on the plus strand (C>G on the coding strand, the complement: GH1 is on the minus strand). VCF-style: chr17-63917348-G-C. GRCh37 (hg19) VCF-style: chr17-61994708-G-C.
Other names: c.570C>G, p.Ile190Met (NM_022559.4); c.495C>G, p.Ile165Met (NM_022560.4); short protein forms I205M, I190M, I165M.
Identifiers: ClinVar variation 500833 (VCV000500833.15), dbSNP rs148474991, ClinGen allele CA8708107.